The following is an entry in ClinVar:

NM_032638.5(GATA2):c.1A>C (p.Met1Leu)

Gene: GATA2 (GATA binding protein 2; minus strand). Cytogenetic location: 3q21.3.
Variant type: single nucleotide variant.
Coding change: c.1A>C on transcript NM_032638.5 (MANE Select); coding-DNA position 1, A replaced by C.
Protein change: p.Met1Leu; changes the start codon (methionine 1).
Molecular consequence: missense variant, initiator codon variant.
Genome position (GRCh38, 1-based): chr3:128,487,031, T>G on the plus strand (A>C on the coding strand, the complement: GATA2 is on the minus strand). VCF-style: chr3-128487031-T-G. GRCh37 (hg19) VCF-style: chr3-128205874-T-G.
Other names: c.1A>C, p.Met1Leu (NM_001145662.1, NM_001145661.2); short protein forms M1L.
Identifiers: ClinVar variation 4824116 (VCV004824116.1).

ClinVar aggregate classification (germline): Uncertain significance (1 of 4 stars; one submission).

Conditions:
Inborn genetic diseases. Identifiers: MedGen C0950123, MeSH D030342.

Submission:

Ambry Genetics
Classification: Uncertain significance for Inborn genetic diseases. Last evaluated: 2026-02-19. Review status: criteria provided, single submitter. Criteria: Ambry Variant Classification Scheme 2023. Collection method: clinical testing. Allele origin: germline.
Comment: The p.M1? variant (also known as c.1A>C) is located in coding exon 1 of the GATA2 gene and results from a A to C substitution at nucleotide position 1. This alters the methionine residue at the initiation codon (ATG). Variations that modify the initiation codon (ATG) are expected to result in either loss of translation initiation, N-terminal truncation, or cause a shift in the mRNA reading frame; however, there is an in-frame methionine 11 amino acids from the initiation site, which may result in N-terminal truncation of unknown functional significance. Based on the available evidence, the clinical significance of this variant remains unclear.